The following is an entry in ClinVar:

ClinVar aggregate classification (germline): Uncertain significance. Review status: criteria provided, multiple submitters, no conflicts (2 of 4 stars). 2 submissions from 2 submitters: Uncertain significance (2). Last evaluated 2023-04-09.

Submissions (2):

Labcorp Genetics (formerly Invitae), Labcorp
Classification: Uncertain significance. Last evaluated: 2023-04-09. Review status: criteria provided, single submitter. Criteria: Invitae Variant Classification Sherloc (09022015). Collection method: clinical testing. Allele origin: germline.
Comment: ClinVar contains an entry for this variant (Variation ID: 1311698). This variant has not been reported in the literature in individuals affected with FBXO11-related conditions. This variant is not present in population databases (gnomAD no frequency). This sequence change replaces glutamine, which is neutral and polar, with arginine, which is basic and polar, at codon 237 of the FBXO11 protein (p.Gln237Arg). An algorithm developed to predict the effect of missense changes on protein structure and function (PolyPhen-2) suggests that this variant is likely to be tolerated. In summary, the available evidence is currently insufficient to determine the role of this variant in disease. Therefore, it has been classified as a Variant of Uncertain Significance.

GeneDx
Classification: Uncertain significance. Last evaluated: 2020-01-14. Review status: criteria provided, single submitter. Criteria: GeneDx Variant Classification Process June 2021. Collection method: clinical testing. Allele origin: germline. Affected: yes.
Comment: Not observed in large population cohorts (Lek et al., 2016); In silico analysis, which includes protein predictors and evolutionary conservation, supports that this variant does not alter protein structure/function; Has not been previously published as pathogenic or benign to our knowledge

NM_001190274.2(FBXO11):c.710A>G (p.Gln237Arg)

Gene: FBXO11 (F-box protein 11; minus strand). Cytogenetic location: 2p16.3.
Variant type: single nucleotide variant.
Coding change: c.710A>G on transcript NM_001190274.2 (MANE Select); coding-DNA position 710, A replaced by G.
Protein change: p.Gln237Arg; replaces glutamine 237 with arginine.
Molecular consequence: missense variant.
Genome position (GRCh38, 1-based): chr2:47,835,879, T>C on the plus strand (A>G on the coding strand, the complement: FBXO11 is on the minus strand). VCF-style: chr2-47835879-T-C. GRCh37 (hg19) VCF-style: chr2-48063018-T-C.
Other names: c.458A>G, p.Gln153Arg (NM_001374325.1, NM_025133.4); short protein forms Q153R, Q237R.
Identifiers: ClinVar variation 1311698 (VCV001311698.5), dbSNP rs2104831924, ClinGen allele CA346812158.
Genomic context (GRCh38, chr2:47,835,879, plus strand): 5'-AGTTATTTACAAATGTATAATATAAACCAATATATTCTATTTATATTTCATACCAACTGC[T>C]GGAAACTCTCTTTCCAGGGATTTGGATGTTCATACTCTTCTGGATTAATCTGGTAGAATT-3'
Protein context (NP_001177203.1, residues 227-247): EHPNPWKESF[Gln237Arg]QLYKGAHVKP